The following is an entry in ClinVar:

ClinVar aggregate classification (germline): Pathogenic. Review status: reviewed by expert panel (3 of 4 stars). 6 submissions from 6 submitters: Pathogenic (1). 5 of the submissions do not count toward it. Last evaluated 2019-03-11.

Conditions:
Cystic fibrosis (CF). Also called: MUCOVISCIDOSIS. Identifiers: Orphanet 586, MedGen C0010674, MONDO:0009061, OMIM 219700. Disease mechanism: loss of function.

Allele frequency attached by ClinVar (database versions not stated): gnomAD exomes below 0.00001; ExAC 0.00001.
gnomAD v4.1: 2 of 1,605,262 alleles (0.00012%); highest among the groups gnomAD compares: South Asian, 0.0023%; no homozygotes.

Submissions (6):

CFTR2
Classification: Pathogenic for Cystic fibrosis. Last evaluated: 2019-03-11. Review status: reviewed by expert panel. Criteria: Sosnay PR et al. (Nat Genet 2013). Collection method: research. Allele origin: germline. Affected: yes.

Women's Health and Genetics/Laboratory Corporation of America, LabCorp
Classification: Likely pathogenic for Cystic fibrosis. Last evaluated: 2022-10-24. Review status: criteria provided, single submitter. Criteria: LabCorp Variant Classification Summary - May 2015. Collection method: clinical testing. Allele origin: germline. Not counted in ClinVar's aggregate classification.
Comment: Variant summary: CFTR c.1882G>A (p.Gly628Arg) results in a non-conservative amino acid change located in the ABC transporter-like, ATP-binding domain (IPR003439) of the encoded protein sequence. Five of five in-silico tools predict a damaging effect of the variant on protein function. The variant allele was found at a frequency of 4.1e-06 in 244320 control chromosomes. c.1882G>A has been reported in the literature as a compound heterozygous genotype with p.F508del in at-least 4 individuals, to include three with Cystic Fibrosis and one with CBAVD (example, Claustres_2000, De Boeck_2005), as a non-informative genotype (second allele/zygosity not specified) in individuals with Cystic Fibrosis (Fanen_1992, Jorissen_1999), and as a homozygous or compound heterozygous complex allele in cis with p.Ser1235Arg (c.[1882G>A;3705T>G]) (p.[Gly628Arg;Ser1235Arg]) in individuals with Cystic Fibrosis (example, Mercier_1995, Sanchez_2016). The compound heterozygote with the complex allele carried c.946delT on the other allele (Sanchez_2016). At-least one study provides evidences against the pathogenicity of the p.Ser1235Arg variant suggesting that p.Gly628Arg (this variant) might be causative in settings of CF or CBAVD (example, Rene_2011). These data indicate that the variant in isolation is likely to be associated with disease, although the possibility of incomplete genotyping in the four reported compound heterozygotes in isolation with this variant and p.F508del captured above cannot be entirely ruled out. At least two publications report experimental evidence evaluating an impact on protein function (example, Wei_2000, Billet_2010). The most pronounced variant effect results in defective maturation of the CFTR protein (Billet_2010 and Wei_2000). This is consistent with the finding(s) of reduced/defective CFTR channel activity measured as whole cell currents in both these studies. However, in one of these reports, the authors suggest caution with the interpretation of these electrophysiological data due to a lack of confirmation of these observations at the level of single channel measurements. Whole cell currents do not always correlate with single channel activities of CFTR proteins, and are dependent on the number of chloride channels present in the cell membrane. In particular, the double mutant Gly628Arg/Ser1235Arg induced a significantly lower cAMP dependent chloride transport activity (0.11 uA) than Gly628Arg (0.19 uA) or Ser1235Arg (0.39 uA) CFTR alone (Wei_2000). Two clinical diagnostic laboratories, an expert panel (CFTR2) and a database (CFTR-France) have submitted clinical-significance assessments for this variant to ClinVar after 2014 without evidence for independent evaluation. All submitters classified the variant as pathogenic/likely pathogenic. Based on the evidence outlined above, the variant was classified as likely pathogenic.

CFTR-France
Classification: Pathogenic for Cystic fibrosis. Last evaluated: 2020-03-26. Review status: criteria provided, single submitter. Criteria: Claustres M et al. (Hum Mutat 2017). Collection method: curation. Allele origin: germline. Affected: yes. Not counted in ClinVar's aggregate classification.

Natera, Inc.
Classification: Pathogenic for Cystic Fibrosis. Last evaluated: 2020-09-16. Review status: no assertion criteria provided. Collection method: clinical testing. Allele origin: germline. Not counted in ClinVar's aggregate classification.

Clinical Molecular Genetics Laboratory, Johns Hopkins All Children's Hospital
Classification: Likely pathogenic for Cystic fibrosis. Last evaluated: 2015-04-23. Review status: no assertion criteria provided. Collection method: clinical testing. Allele origin: germline. Affected: yes. Not counted in ClinVar's aggregate classification.

ClinVar Staff, National Center for Biotechnology Information (NCBI)
No classification provided. Condition: CFTR-related disorders. Review status: no classification provided. Collection method: literature only. Allele origin: germline. Affected: yes. Not counted in ClinVar's aggregate classification.

Literature cited by the submitters: PubMed 10812063 (cited by Women's Health and Genetics/Laboratory Corporation of America, LabCorp); PubMed 7529962 (cited by Women's Health and Genetics/Laboratory Corporation of America, LabCorp); PubMed 9239681 (cited by Women's Health and Genetics/Laboratory Corporation of America, LabCorp); PubMed 1379210 (cited by Women's Health and Genetics/Laboratory Corporation of America, LabCorp and ClinVar Staff, National Center for Biotechnology Information (NCBI)); PubMed 7525963 (cited by Women's Health and Genetics/Laboratory Corporation of America, LabCorp); PubMed 10923036 (cited by Women's Health and Genetics/Laboratory Corporation of America, LabCorp); PubMed 20435887 (cited by Women's Health and Genetics/Laboratory Corporation of America, LabCorp); PubMed 20717170 (cited by Women's Health and Genetics/Laboratory Corporation of America, LabCorp); PubMed 20706124 (cited by Women's Health and Genetics/Laboratory Corporation of America, LabCorp); PubMed 12127423 (cited by Women's Health and Genetics/Laboratory Corporation of America, LabCorp); PubMed 11933191 (cited by Women's Health and Genetics/Laboratory Corporation of America, LabCorp); PubMed 15772171 (cited by Women's Health and Genetics/Laboratory Corporation of America, LabCorp); PubMed 25443471 (cited by Women's Health and Genetics/Laboratory Corporation of America, LabCorp); PubMed 10228103 (cited by Women's Health and Genetics/Laboratory Corporation of America, LabCorp); PubMed 27022295 (cited by Women's Health and Genetics/Laboratory Corporation of America, LabCorp); PubMed 9736778 (cited by ClinVar Staff, National Center for Biotechnology Information (NCBI)).

NM_000492.4(CFTR):c.1882G>A (p.Gly628Arg)

Gene: CFTR (CF transmembrane conductance regulator; plus strand). Cytogenetic location: 7q31.2.
Variant type: single nucleotide variant.
Coding change: c.1882G>A on transcript NM_000492.4 (MANE Select); coding-DNA position 1882, G replaced by A.
Protein change: p.Gly628Arg; replaces glycine 628 with arginine.
Molecular consequence: missense variant.
Genome position (GRCh38, 1-based): chr7:117,592,049, G>A. VCF-style: chr7-117592049-G-A. GRCh37 (hg19) VCF-style: chr7-117232103-G-A.
Other names: short protein forms G628R.
Identifiers: ClinVar variation 53408 (VCV000053408.5), dbSNP rs397508316, ClinGen allele CA326706.
Genomic context (GRCh38, chr7:117,592,049, plus strand): 5'-GAACATTTAAAGAAAGCTGACAAAATATTAATTTTGCATGAAGGTAGCAGCTATTTTTAT[G>A]GGACATTTTCAGAACTCCAAAATCTACAGCCAGACTTTAGCTCAAAACTCATGGGATGTG-3'
Protein context (NP_000483.3, residues 618-638): ILHEGSSYFY[Gly628Arg]TFSELQNLQP